The following is an entry in ClinVar:

NM_152564.5(VPS13B):c.3397C>A (p.Pro1133Thr)

Gene: VPS13B (vacuolar protein sorting 13 homolog B; plus strand). Cytogenetic location: 8q22.2.
Variant type: single nucleotide variant.
Coding change: c.3397C>A on transcript NM_152564.5 (MANE Select); coding-DNA position 3397, C replaced by A.
Protein change: p.Pro1133Thr; replaces proline 1133 with threonine.
Molecular consequence: missense variant.
Genome position (GRCh38, 1-based): chr8:99,442,587, C>A. VCF-style: chr8-99442587-C-A. GRCh37 (hg19) VCF-style: chr8-100454815-C-A.
Other names: c.3397C>A, p.Pro1133Thr (NM_017890.5); short protein forms P1133T.
Identifiers: ClinVar variation 3366712 (VCV003366712.2).
Genomic context (GRCh38, chr8:99,442,587, plus strand): 5'-ACACTTGTCCTCTGTTTGCCTCAAATAAAGATTATTAGTGCTGGGCACAAGTATATGGAA[C>A]CTCTGCAGGAGATTCCATTTGTTATCCCACGACCCATCCTTGAAGAAGGTATATGTTAAC-3'
Protein context (NP_689777.3, residues 1123-1143): IISAGHKYME[Pro1133Thr]LQEIPFVIPR

ClinVar aggregate classification (germline): Uncertain significance. Review status: criteria provided, multiple submitters, no conflicts (2 of 4 stars). 2 submissions from 2 submitters: Uncertain significance (2). Last evaluated 2026-07-23.

Conditions:
VPS13B-related disorder. Also called: VPS13B-related condition.

gnomAD v4.1: 5 of 1,613,934 alleles (0.00031%); highest among the groups gnomAD compares: Middle Eastern, 0.049%; no homozygotes.

Submissions (2):

PreventionGenetics, part of Exact Sciences
Classification: Uncertain significance for VPS13B-related condition. Last evaluated: 2026-07-23. Review status: criteria provided, single submitter. Criteria: ACMG Guidelines, 2015. Collection method: clinical testing. Allele origin: germline.
Comment: The VPS13B c.3397C>A variant is predicted to result in the amino acid substitution p.Pro1133Thr. To our knowledge, this variant has not been reported in the literature. Another variant affecting this amino acid (c.3397C>T, Pro1133Ser) has been reported in multiple individuals with Cohen Syndrome (Supplemental Table 3, Farwell et al. 2015. PubMed ID: 25356970; Zorn et al. 2022. PubMed ID: 35690661). This variant is reported in 0.00088% of alleles in individuals of European (Non-Finnish) descent in gnomAD. At this time, the clinical significance of this variant is uncertain due to the absence of conclusive functional and genetic evidence.

Women's Health and Genetics/Laboratory Corporation of America, LabCorp
Classification: Uncertain significance. Last evaluated: 2024-08-20. Review status: criteria provided, single submitter. Criteria: LabCorp Variant Classification Summary - May 2015. Collection method: clinical testing. Allele origin: germline.
Comment: Variant summary: VPS13B c.3397C>A (p.Pro1133Thr) results in a non-conservative amino acid change in the encoded protein sequence. Two of three in-silico tools predict a damaging effect of the variant on protein function. The variant allele was found at a frequency of 4e-06 in 251222 control chromosomes. The available data on variant occurrences in the general population are insufficient to allow any conclusion about variant significance. To our knowledge, no occurrence of c.3397C>A in individuals affected with Cohen Syndrome and no experimental evidence demonstrating its impact on protein function have been reported. No submitters have cited clinical-significance assessments for this variant to ClinVar. Based on the evidence outlined above, the variant was classified as uncertain significance.

Literature cited by the submitters: PubMed 35690661 (cited by Women's Health and Genetics/Laboratory Corporation of America, LabCorp).